The following is an entry in ClinVar:

NC_000016.9:g.(28495440_28497667)_(28497972_28498776)del

Gene: CLN3 (CLN3 lysosomal/endosomal transmembrane protein, battenin; minus strand). Cytogenetic location: 16p11.2.
Variant type: Deletion.
Identifiers: ClinVar variation 3768687 (VCV003768687.1).

ClinVar aggregate classification (germline): Pathogenic (1 of 4 stars; one submission).

Conditions:
Neuronal ceroid lipofuscinosis. Also called: Neuronal Ceroid Lipofuscinoses. Identifiers: Orphanet 216, Orphanet 79263, MedGen C0027877, MONDO:0016295. Disease mechanism: loss of function.

Submission:

Women's Health and Genetics/Laboratory Corporation of America, LabCorp
Classification: Pathogenic for Neuronal ceroid lipofuscinosis. Last evaluated: 2025-02-07. Review status: criteria provided, single submitter. Criteria: LabCorp Variant Classification Summary - May 2015. Collection method: clinical testing. Allele origin: germline.
Comment: Variant summary: The variant involves the deletion of exons 8-9 in the CLN3 gene (since the first exon of CLN3 is non-coding, this deletion is also known as deletion of exons 7-8 in the literature). A presumed nomenclature of c.(460+1_461-1)_(677+1_678-1)del has been designated for the purposes of this classification. This Copy Number Variant (CNV) is expected to alter the reading frame and predicted to result in a truncation or absence of the encoded protein due to nonsense mediated decay (NMD). The variant allele was found at a frequency of 0.0013 in 120724 control chromosomes in the gnomAD database (Structural Variants v4.1 dataset), including 3 homozygotes in the European Finnish- and non-Finnish subpopulations; however this variant is known to occur with an increased prevalence in the northern European populations. The deletion of exons 8-9 in the CLN3 gene has been reported in the literature in several homozygous and compound heterozygous individuals affected with Juvenile Neuronal Ceroid-Lipofuscinosis (Juvenile Batten Disease) and accounts for 73%-90% of all disease-causing alleles in European populations (see e.g. International Batten Disease Consortium 1995, Jarvela_1997, Adams_2010). Publications also reported experimental evidence evaluating an impact on protein function, including animal model studies, and demonstrated that the variant affects CLN3 function (e.g. Cotman_2002, Miller_2013, Xiong_2013). The following publications have been ascertained in the context of this evaluation (PMID: 7553855, 9392580, 20187884, 23919525, 23539563, 12374761). ClinVar contains multiple entries for this variant (e.g. Variation IDs: 457935, 3552, 438235). Based on the evidence outlined above, the variant was classified as pathogenic.

Literature cited by the submitters: PubMed 23539563; PubMed 20187884; PubMed 12374761; PubMed 9392580; PubMed 23919525.